The following is an entry in ClinVar:

NM_001378454.1(ALMS1):c.281del (p.Pro94fs)

Gene: ALMS1 (ALMS1 centrosome and basal body associated protein; plus strand). Cytogenetic location: 2p13.1.
Variant type: Deletion.
Coding change: c.281del on transcript NM_001378454.1 (MANE Select); coding-DNA position 281, one base deleted (C; older notation c.281delC).
Protein change: p.Pro94fs; shifts the reading frame from proline 94.
Molecular consequence: frameshift variant.
Genome position (GRCh38, 1-based): chr2:73,386,149, C deleted; the last of 5 consecutive C bases (chr2:73,386,145-73,386,149); deleting any one gives the same sequence. VCF-style (leftmost placement, unchanged base first): chr2-73386144-GC-G. GRCh37 (hg19) VCF-style: chr2-73613272-GC-G.
Other names: c.284del, p.Pro95fs (NM_015120.4); c.284delC (NM_015120.4); short protein forms P94fs, P95fs.
Identifiers: ClinVar variation 1343660 (VCV001343660.1), dbSNP rs2104060044, ClinGen allele CA2573052017.

ClinVar aggregate classification (germline): Likely pathogenic (1 of 4 stars; one submission).

Conditions:
Alstrom syndrome (ALMS). Identifiers: Orphanet 64, MedGen C0268425, MONDO:0008763, OMIM 203800.

Submission:

Women's Health and Genetics/Laboratory Corporation of America, LabCorp
Classification: Likely pathogenic for Alstrom syndrome. Last evaluated: 2022-02-18. Review status: criteria provided, single submitter. Criteria: LabCorp Variant Classification Summary - May 2015. Collection method: clinical testing. Allele origin: germline.
Comment: Variant summary: ALMS1 c.281delC/p.Pro94ArgfsX19 (also known as c.284delC in RefSeq) results in a premature termination codon, predicted to cause a truncation of the encoded protein or absence of the protein due to nonsense mediated decay, which are commonly known mechanisms for disease. Truncations downstream of this position have been classified as pathogenic by our laboratory. The variant was absent in 155510 control chromosomes (gnomAD). To our knowledge, no occurrence of c.281delC in individuals affected with Alstrom Syndrome and no experimental evidence demonstrating its impact on protein function have been reported. No clinical diagnostic laboratories have submitted clinical-significance assessments for this variant to ClinVar after 2014. Based on the evidence outlined above, the variant was classified as likely pathogenic.